The following is an entry in ClinVar:

ClinVar aggregate classification (germline): Conflicting classifications of pathogenicity. Review status: criteria provided, conflicting classifications (1 of 4 stars). 2 submissions from 2 submitters: Uncertain significance (1); Likely benign (1). Last evaluated 2025-08-21.

Conditions:
Hereditary pheochromocytoma and paraganglioma. Also called: Hereditary pheochromocytoma-paraganglioma; Hereditary paragangliomas and pheochromocytomas; Hereditary Paraganglioma-Pheochromocytoma Syndromes. Identifiers: Orphanet 29072, MedGen C4274332, MONDO:0017366.
Hereditary cancer-predisposing syndrome. Also called: Neoplastic Syndromes, Hereditary; Tumor predisposition; Hereditary Cancer Syndrome; Hereditary neoplastic syndrome. Identifiers: Orphanet 140162, MedGen C0027672, MeSH D009386, MONDO:0015356.

Submissions (2):

Labcorp Genetics (formerly Invitae), Labcorp
Classification: Likely benign for Hereditary pheochromocytoma and paraganglioma. Last evaluated: 2025-08-21. Review status: criteria provided, single submitter. Criteria: Invitae Variant Classification Sherloc (09022015). Collection method: clinical testing. Allele origin: germline.

Sema4
Classification: Uncertain significance for Hereditary cancer-predisposing syndrome. Last evaluated: 2021-06-29. Review status: criteria provided, single submitter. Criteria: Sema4 Curation Guidelines. Collection method: curation. Allele origin: germline.
Comment: The TMEM127 c.582C>T (p.N194=) variant has not been reported in the literature to our knowledge. It was not observed in the large and broad cohorts of the Genome Aggregation Database (PMID: 32461654). The variant has not been reported in ClinVar. In silico tools suggest the impact of the variant on protein splicing is inconclusive, though these predictions have not been confirmed by functional studies. The evidence is insufficient to meet ACMG/AMP criteria for classifying the variant as benign or pathogenic. Thus, the clinical significance of this variant is currently uncertain.

NM_017849.4(TMEM127):c.582C>T (p.Asn194=)

Gene: TMEM127 (transmembrane protein 127; minus strand). Cytogenetic location: 2q11.2.
Variant type: single nucleotide variant.
Coding change: c.582C>T on transcript NM_017849.4 (MANE Select); coding-DNA position 582, C replaced by T.
Protein change: p.Asn194=; no amino-acid change (asparagine 194 retained).
Molecular consequence: synonymous variant.
Genome position (GRCh38, 1-based): chr2:96,253,943, G>A on the plus strand (C>T on the coding strand, the complement: TMEM127 is on the minus strand). VCF-style: chr2-96253943-G-A. GRCh37 (hg19) VCF-style: chr2-96919681-G-A.
Other names: c.582C>T, p.Asn194= (NM_001193304.3); c.330C>T, p.Asn110= (NM_001407282.1, NM_001407283.1).
Identifiers: ClinVar variation 1691885 (VCV001691885.4), dbSNP rs2104283819, ClinGen allele CA427807863.